The following is an entry in ClinVar:

NM_000127.3(EXT1):c.1678_1679del (p.Ala560fs)

Gene: EXT1 (exostosin glycosyltransferase 1; minus strand). Cytogenetic location: 8q24.11.
Variant type: Deletion.
Coding change: c.1678_1679del on transcript NM_000127.3 (MANE Select); coding-DNA positions 1678 to 1679, 2 bases deleted (GC; older notation c.1678_1679delGC).
Protein change: p.Ala560fs; shifts the reading frame from alanine 560.
Molecular consequence: frameshift variant.
Genome position (GRCh38, 1-based): chr8:117,812,915-117,812,916, GC deleted on the plus strand (GC on the coding strand, the reverse complement: EXT1 is on the minus strand); deleting any 2 consecutive bases within chr8:117,812,915-117,812,917 gives the same sequence; the c. name uses the placement nearest the transcript's 3' end. VCF-style (leftmost placement, unchanged base first): chr8-117812914-GGC-G. GRCh37 (hg19) VCF-style: chr8-118825153-GGC-G.
Other names: short protein forms A560fs.
Identifiers: ClinVar variation 1454658 (VCV001454658.6), dbSNP rs1823352107, ClinGen allele CA2573142817.
Genomic context (GRCh38, chr8:117,812,914, plus strand): 5'-TCAGGCATGGGTTCTTACCTCTGTTGTTGAAAGCACCGTGTCCTCGTCAAGGCTGAGCAC[GGC>G]GTCTGTGATGATGTTGTCGTAGGGCAGAAAACGGCTGCTCATAACCTGGGAGGAAGTAGA-3'

ClinVar aggregate classification (germline): Pathogenic (1 of 4 stars; one submission).

Conditions:
Multiple congenital exostosis (EXT). Also called: Multiple osteochondromas; MULTIPLE CARTILAGINOUS EXOSTOSES; Hereditary multiple exostoses; Hereditary multiple exostosis; Hereditary multiple osteochondromas; Multiple exostoses. Identifiers: Orphanet 321, MedGen C0015306, MONDO:0005508, HP:0002762.

Submission:

Labcorp Genetics (formerly Invitae), Labcorp
Classification: Pathogenic for Multiple congenital exostosis. Last evaluated: 2024-04-23. Review status: criteria provided, single submitter. Criteria: Invitae Variant Classification Sherloc (09022015). Collection method: clinical testing. Allele origin: germline.
Comment: This sequence change creates a premature translational stop signal (p.Ala560Argfs*5) in the EXT1 gene. It is expected to result in an absent or disrupted protein product. Loss-of-function variants in EXT1 are known to be pathogenic (PMID: 10679937, 11391482, 19810120). This variant is not present in population databases (gnomAD no frequency). This variant has not been reported in the literature in individuals affected with EXT1-related conditions. ClinVar contains an entry for this variant (Variation ID: 1454658). For these reasons, this variant has been classified as Pathogenic.

Literature cited by the submitters: PubMed 10679937; PubMed 11391482; PubMed 19810120.